The following is an entry in ClinVar:

ClinVar aggregate classification (germline): Conflicting classifications of pathogenicity. Review status: criteria provided, conflicting classifications (1 of 4 stars). 2 submissions from 2 submitters: Likely pathogenic (1); Uncertain significance (1). Last evaluated 2024-05-10.

Conditions:
Spinocerebellar ataxia 49 (SCA49). Identifiers: Orphanet 631106, MedGen C5676950, MONDO:0030805, OMIM 619806.

Submissions (2):

Labcorp Genetics (formerly Invitae), Labcorp
Classification: Uncertain significance. Last evaluated: 2024-05-10. Review status: criteria provided, single submitter. Criteria: Invitae Variant Classification Sherloc (09022015). Collection method: clinical testing. Allele origin: germline.
Comment: This sequence change creates a premature translational stop signal (p.Arg828*) in the SAMD9L gene. While this is not anticipated to result in nonsense mediated decay, it is expected to disrupt the last 757 amino acid(s) of the SAMD9L protein. The frequency data for this variant in the population databases is considered unreliable, as metrics indicate poor data quality at this position in the gnomAD database. This variant has not been reported in the literature in individuals affected with SAMD9L-related conditions. In summary, the available evidence is currently insufficient to determine the role of this variant in disease. Therefore, it has been classified as a Variant of Uncertain Significance.

Kariminejad - Najmabadi Pathology & Genetics Center
Classification: Likely pathogenic for Spinocerebellar ataxia 49. Last evaluated: 2023-06-25. Review status: criteria provided, single submitter. Criteria: ACMG Guidelines, 2015. Collection method: clinical testing. Allele origin: germline. Inheritance: Autosomal dominant inheritance. Affected: yes.
Comment: PVS1(Very Strong),PM

NM_152703.5(SAMD9L):c.2482C>T (p.Arg828Ter)

Gene: SAMD9L (sterile alpha motif domain containing 9 like; minus strand). Cytogenetic location: 7q21.2.
Variant type: single nucleotide variant.
Coding change: c.2482C>T on transcript NM_152703.5 (MANE Select); coding-DNA position 2482, C replaced by T.
Protein change: p.Arg828Ter; replaces arginine 828 with a stop codon.
Molecular consequence: nonsense.
Genome position (GRCh38, 1-based): chr7:93,133,490, G>A on the plus strand (C>T on the coding strand, the complement: SAMD9L is on the minus strand). VCF-style: chr7-93133490-G-A. GRCh37 (hg19) VCF-style: chr7-92762803-G-A.
Other names: c.2482C>T, p.Arg828Ter (NM_001303496.3, NM_001303497.3, NM_001303498.3 and 5 more transcripts); short protein forms R828*.
Identifiers: ClinVar variation 3617459 (VCV003617459.3).